The following is an entry in ClinVar:

ClinVar aggregate classification (germline): Uncertain significance (1 of 4 stars; one submission).

gnomAD v4.1: 1 of 1,600,518 alleles (0.000062%); highest among the groups gnomAD compares: Non-Finnish European, 0.000085%; no homozygotes.

Submission:

Labcorp Genetics (formerly Invitae), Labcorp
Classification: Uncertain significance. Last evaluated: 2022-01-04. Review status: criteria provided, single submitter. Criteria: Invitae Variant Classification Sherloc (09022015). Collection method: clinical testing. Allele origin: germline.
Comment: In summary, the available evidence is currently insufficient to determine the role of this variant in disease. Therefore, it has been classified as a Variant of Uncertain Significance. Algorithms developed to predict the effect of missense changes on protein structure and function (SIFT, PolyPhen-2, Align-GVGD) all suggest that this variant is likely to be disruptive. This variant has not been reported in the literature in individuals affected with SLC25A32-related conditions. This variant is not present in population databases (gnomAD no frequency). This sequence change replaces glycine, which is neutral and non-polar, with glutamic acid, which is acidic and polar, at codon 185 of the SLC25A32 protein (p.Gly185Glu).

NM_030780.5(SLC25A32):c.554G>A (p.Gly185Glu)

Gene: SLC25A32 (solute carrier family 25 member 32; minus strand). Cytogenetic location: 8q22.3.
Variant type: single nucleotide variant.
Coding change: c.554G>A on transcript NM_030780.5 (MANE Select); coding-DNA position 554, G replaced by A.
Protein change: p.Gly185Glu; replaces glycine 185 with glutamic acid.
Molecular consequence: missense variant. On other transcripts: non-coding transcript variant (2).
Genome position (GRCh38, 1-based): chr8:103,402,053, C>T on the plus strand (G>A on the coding strand, the complement: SLC25A32 is on the minus strand). VCF-style: chr8-103402053-C-T. GRCh37 (hg19) VCF-style: chr8-104414281-C-T.
Other names: short protein forms G185E.
Identifiers: ClinVar variation 1914016 (VCV001914016.5), dbSNP rs1015895748, ClinGen allele CA371623580.